The following is an entry in ClinVar:

ClinVar aggregate classification (germline): Pathogenic (1 of 4 stars; one submission).

Conditions:
Cardiovascular phenotype. Identifiers: MedGen CN230736.
Hereditary cancer-predisposing syndrome. Also called: Tumor predisposition; Hereditary neoplastic syndrome; Neoplastic Syndromes, Hereditary; Hereditary Cancer Syndrome. Identifiers: Orphanet 140162, MedGen C0027672, MeSH D009386, MONDO:0015356.

Submission:

Ambry Genetics
Classification: Pathogenic for Cardiovascular phenotype; Hereditary cancer-predisposing syndrome. Last evaluated: 2025-04-02. Review status: criteria provided, single submitter. Criteria: Ambry Variant Classification Scheme 2023. Collection method: clinical testing. Allele origin: germline.
Comment: The c.5649delC pathogenic mutation, located in coding exon 38 of the NF1 gene, results from a deletion of one nucleotide at nucleotide position 5649, causing a translational frameshift with a predicted alternate stop codon (p.N1883Kfs*21). This variant is considered to be rare based on population cohorts in the Genome Aggregation Database (gnomAD). This alteration is expected to result in loss of function by premature protein truncation or nonsense-mediated mRNA decay. As such, this alteration is interpreted as a disease-causing mutation.

NM_001042492.3(NF1):c.5712del (p.Asn1904fs)

Gene: NF1 (neurofibromin 1; plus strand). Cytogenetic location: 17q11.2.
Variant type: Deletion.
Coding change: c.5712del on transcript NM_001042492.3 (MANE Select); coding-DNA position 5712, one base deleted (C; older notation c.5712delC).
Protein change: p.Asn1904fs; shifts the reading frame from asparagine 1904.
Molecular consequence: frameshift variant.
Genome position (GRCh38, 1-based): chr17:31,330,398, C deleted. VCF-style (leftmost placement, unchanged base first): chr17-31330397-AC-A. GRCh37 (hg19) VCF-style: chr17-29657415-AC-A.
Other names: c.5649delC (NM_000267.3); c.5649delC, p.Asn1883Lysfs (NM_000267.4); short protein forms N1883fs, N1904fs.
Identifiers: ClinVar variation 4015621 (VCV004015621.1).